The following is an entry in ClinVar:

ClinVar aggregate classification (germline): Uncertain significance (1 of 4 stars; one submission).

Conditions:
Inborn genetic diseases. Identifiers: MedGen C0950123, MeSH D030342.

Submission:

Ambry Genetics
Classification: Uncertain significance for Inborn genetic diseases. Last evaluated: 2026-05-14. Review status: criteria provided, single submitter. Criteria: Ambry Variant Classification Scheme 2023. Collection method: clinical testing. Allele origin: germline.
Comment: The p.N989D variant (also known as c.2965A>G), located in coding exon 24 of the ANKRD26 gene, results from an A to G substitution at nucleotide position 2965. The asparagine at codon 989 is replaced by aspartic acid, an amino acid with highly similar properties. This amino acid position is conserved. In addition, this alteration is predicted to be tolerated by in silico analysis. Based on the available evidence, the clinical significance of this variant remains unclear.

NM_014915.3(ANKRD26):c.2965A>G (p.Asn989Asp)

Gene: ANKRD26 (ankyrin repeat domain 26; minus strand). Cytogenetic location: 10p12.1.
Variant type: single nucleotide variant.
Coding change: c.2965A>G on transcript NM_014915.3 (MANE Select); coding-DNA position 2965, A replaced by G.
Protein change: p.Asn989Asp; replaces asparagine 989 with aspartic acid.
Molecular consequence: missense variant.
Genome position (GRCh38, 1-based): chr10:27,035,485, T>C on the plus strand (A>G on the coding strand, the complement: ANKRD26 is on the minus strand). VCF-style: chr10-27035485-T-C. GRCh37 (hg19) VCF-style: chr10-27324414-T-C.
Other names: c.2962A>G, p.Asn988Asp (NM_001256053.2); short protein forms N988D, N989D.
Identifiers: ClinVar variation 4859785 (VCV004859785.1).